The following is an entry in ClinVar:

NC_012920.1(MT-TN):m.5664A>G

Gene: MT-TN (mitochondrially encoded tRNA asparagine; minus strand).
Variant type: single nucleotide variant.
Genome position: chrM-5664-A-G.
Identifiers: ClinVar variation 689970 (VCV000689970.1), dbSNP rs1603220079, ClinGen allele CA913180167.
Genomic context (GRCh38, chrMT:5,664, plus strand): 5'-CACTCTGCATCAACTGAACGCAAATCAGCCACTTTAATTAAGCTAAGCCCTTACTAGACC[A>G]ATGGGACTTAAACCCACAAACACTTAGTTAACAGCTAAGCACCCTAATCAACTGGCTTCA-3'

ClinVar aggregate classification (germline): Benign (1 of 4 stars; one submission).

Conditions:
MELAS syndrome (MELAS). Also called: Juvenile myopathy, encephalopathy, lactic acidosis, stroke. Identifiers: Orphanet 550, MedGen C0162671, MONDO:0010789, OMIM 540000.

Submission:

Wong Mito Lab, Molecular and Human Genetics, Baylor College of Medicine
Classification: Benign for MELAS syndrome. Last evaluated: 2019-07-12. Review status: criteria provided, single submitter. Criteria: Modified ACMG Guidelines (Unpublished). Collection method: clinical testing. Allele origin: germline.
Comment: The NC_012920.1:m.5664A>G variant in MT-TN gene is interpreted to be a Benign variant based on the modified ACMG guidelines (unpublished). This variant meets the following evidence codes reported in the guidelines: BS1, BS2, BP4

Literature cited by the submitters: PubMed 31965079.